The following is an entry in ClinVar:

NM_001365999.1(SZT2):c.7285C>T (p.Pro2429Ser)

Gene: SZT2 (SZT2 subunit of KICSTOR complex; plus strand). Cytogenetic location: 1p34.2.
Variant type: single nucleotide variant.
Coding change: c.7285C>T on transcript NM_001365999.1 (MANE Select); coding-DNA position 7285, C replaced by T.
Protein change: p.Pro2429Ser; replaces proline 2429 with serine.
Molecular consequence: missense variant.
Genome position (GRCh38, 1-based): chr1:43,440,527, C>T. VCF-style: chr1-43440527-C-T. GRCh37 (hg19) VCF-style: chr1-43906198-C-T.
Other names: c.7114C>T, p.Pro2372Ser (NM_015284.4); short protein forms P2372S, P2429S.
Identifiers: ClinVar variation 1438813 (VCV001438813.5), dbSNP rs2153935571, ClinGen allele CA340034364.
Genomic context (GRCh38, chr1:43,440,527, plus strand): 5'-GGATCGTTGGAAACTAAGAGCTCTGCAGGCCGAGCTAGCACCTTTCCCCCTGCCCCTGTC[C>T]CTGGGGAGCCTGTGACTCCACCCAGCAAAGCGGGCCGGCGTAGCTTCTGGGATATGCTGG-3'
Protein context (NP_001352928.1, residues 2419-2439): RASTFPPAPV[Pro2429Ser]GEPVTPPSKA

ClinVar aggregate classification (germline): Uncertain significance (1 of 4 stars; one submission).

Submission:

Labcorp Genetics (formerly Invitae), Labcorp
Classification: Uncertain significance. Last evaluated: 2021-09-01. Review status: criteria provided, single submitter. Criteria: Invitae Variant Classification Sherloc (09022015). Collection method: clinical testing. Allele origin: germline.
Comment: This sequence change replaces proline with serine at codon 2372 of the SZT2 protein (p.Pro2372Ser). The proline residue is moderately conserved and there is a moderate physicochemical difference between proline and serine. This variant is not present in population databases (ExAC no frequency). This variant has not been reported in the literature in individuals affected with SZT2-related conditions. Algorithms developed to predict the effect of missense changes on protein structure and function output the following: SIFT: "Tolerated"; PolyPhen-2: "Benign"; Align-GVGD: "Class C0". The serine amino acid residue is found in multiple mammalian species, which suggests that this missense change does not adversely affect protein function. In summary, the available evidence is currently insufficient to determine the role of this variant in disease. Therefore, it has been classified as a Variant of Uncertain Significance.